The following is an entry in ClinVar:

NM_133259.4(LRPPRC):c.1177T>G (p.Tyr393Asp)

Gene: LRPPRC (leucine rich pentatricopeptide repeat containing; minus strand). Cytogenetic location: 2p21.
Variant type: single nucleotide variant.
Coding change: c.1177T>G on transcript NM_133259.4 (MANE Select); coding-DNA position 1177, T replaced by G.
Protein change: p.Tyr393Asp; replaces tyrosine 393 with aspartic acid.
Molecular consequence: missense variant.
Genome position (GRCh38, 1-based): chr2:43,973,879, A>C on the plus strand (T>G on the coding strand, the complement: LRPPRC is on the minus strand). VCF-style: chr2-43973879-A-C. GRCh37 (hg19) VCF-style: chr2-44201018-A-C.
Other names: p.Y393D:TAC>GAC; short protein forms Y393D.
Identifiers: ClinVar variation 214603 (VCV000214603.3), dbSNP rs863224054, ClinGen allele CA325042.

ClinVar aggregate classification (germline): Uncertain significance. Review status: criteria provided, single submitter (1 of 4 stars). 2 submissions from 2 submitters: Uncertain significance (1). 1 of the submissions does not count toward it. Last evaluated 2016-11-16.

Conditions:
Congenital lactic acidosis, Saguenay-Lac-Saint-Jean type (MC4DN5). Also called: CYTOCHROME c OXIDASE DEFICIENCY, FRENCH CANADIAN TYPE; COX DEFICIENCY, FRENCH CANADIAN TYPE; MITOCHONDRIAL COMPLEX IV DEFICIENCY, NUCLEAR TYPE 5. Identifiers: Orphanet 70472, MedGen C1857355, MONDO:0009069, OMIM 220111.

Submissions (2):

GeneDx
Classification: Uncertain significance. Last evaluated: 2016-11-16. Review status: criteria provided, single submitter. Criteria: GeneDx Variant Classification (06012015). Collection method: clinical testing. Allele origin: germline. Affected: yes.
Comment: p.Tyr393Asp (TAC>GAC): c.1177 T>G in exon 10 in the LRPPRC gene (NM_133259.3). The Y393D variant in the LRPPRC gene has not been published as a pathogenic variant, nor has it been reported as a benign polymorphism to our knowledge. The Y393D variant was not observed in approximately 6,500 individuals of European and African American ancestry in the NHLBI Exome Sequencing Project, indicating it is not a common benign variant in these populations. The Y393D variant is a non-conservative amino acid substitution, which is likely to impact secondary protein structure as these residues differ in polarity, charge, size and/or other properties. This substitution occurs at a position that is conserved in mammals. In silico analysis predicts this variant is probably damaging to the protein structure/function. We interpret Y393D as a variant of unknown significance.

Biochemical Molecular Genetic Laboratory, King Abdulaziz Medical City
Classification: Likely pathogenic for Congenital lactic acidosis, Saguenay-Lac-Saint-Jean type. Last evaluated: 2019-09-26. Review status: no assertion criteria provided. Collection method: clinical testing. Allele origin: germline. Affected: yes. Not counted in ClinVar's aggregate classification.